The following is an entry in ClinVar:

NM_014975.3(MAST1):c.1762T>G (p.Phe588Val)

Gene: MAST1 (microtubule associated serine/threonine kinase 1; plus strand). Cytogenetic location: 19p13.13.
Variant type: single nucleotide variant.
Coding change: c.1762T>G on transcript NM_014975.3 (MANE Select); coding-DNA position 1762, T replaced by G.
Protein change: p.Phe588Val; replaces phenylalanine 588 with valine.
Molecular consequence: missense variant.
Genome position (GRCh38, 1-based): chr19:12,865,439, T>G. VCF-style: chr19-12865439-T-G. GRCh37 (hg19) VCF-style: chr19-12976253-T-G.
Other names: short protein forms F588V.
Identifiers: ClinVar variation 3256757 (VCV003256757.1).

ClinVar aggregate classification (germline): Likely pathogenic (0 of 4 stars; one submission).

Conditions:
Mega-corpus-callosum syndrome with cerebellar hypoplasia and cortical malformations. Identifiers: MedGen C4748927, MONDO:0032648, OMIM 618273.

Submission:

Solve-RD Consortium
Classification: Likely pathogenic for Mega-corpus-callosum syndrome with cerebellar hypoplasia and cortical malformations. Last evaluated: 2022-06-01. Review status: no assertion criteria provided. Collection method: provider interpretation. Allele origin: de novo. Affected: yes.
Comment: Variant confirmed as disease-causing by referring clinical team

Variant identified during reanalysis of unsolved cases by the Solve-RD project. The Solve-RD project has received funding from the European Union’s Horizon 2020 research and innovation programme under grant agreement No 779257.

Literature cited by the submitters: PubMed 39825153.